The following is an entry in ClinVar:

NM_000038.6(APC):c.5579A>G (p.Asp1860Gly)

Gene: APC (APC regulator of Wnt signaling pathway; plus strand). Cytogenetic location: 5q22.2.
Variant type: single nucleotide variant.
Coding change: c.5579A>G on transcript NM_000038.6 (MANE Select); coding-DNA position 5579, A replaced by G.
Protein change: p.Asp1860Gly; replaces aspartic acid 1860 with glycine.
Molecular consequence: missense variant.
Genome position (GRCh38, 1-based): chr5:112,841,173, A>G. VCF-style: chr5-112841173-A-G. GRCh37 (hg19) VCF-style: chr5-112176870-A-G.
Other names: c.5579A>G, p.Asp1860Gly (NM_001127510.3, NM_001354895.2, NM_001407450.1); c.5525A>G, p.Asp1842Gly (NM_001127511.3); c.5633A>G, p.Asp1878Gly (NM_001354896.2, NM_001407447.1, NM_001407448.1 and 1 more transcripts); c.5609A>G, p.Asp1870Gly (NM_001354897.2); c.5504A>G, p.Asp1835Gly (NM_001354898.2); c.5495A>G, p.Asp1832Gly (NM_001354899.2); c.5456A>G, p.Asp1819Gly (NM_001354900.2); c.5402A>G, p.Asp1801Gly (NM_001354901.2, NM_001407453.1); and 11 more; short protein forms D1577G, D1734G, D1777G, D1835G, D1731G, D1819G, D1832G, D1850G.
Identifiers: ClinVar variation 2104004 (VCV002104004.4), dbSNP rs1765983464, ClinGen allele CA16033539.
Genomic context (GRCh38, chr5:112,841,173, plus strand): 5'-TTGATTCACCTCATCATTACACGCCTATTGAAGGAACTCCTTACTGTTTTTCACGAAATG[A>G]TTCTTTGAGTTCTCTAGATTTTGATGATGATGATGTTGACCTTTCCAGGGAAAAGGCTGA-3'
Protein context (NP_000029.2, residues 1850-1870): EGTPYCFSRN[Asp1860Gly]SLSSLDFDDD

ClinVar aggregate classification (germline): Uncertain significance (1 of 4 stars; one submission).

Conditions:
Familial adenomatous polyposis 1 (FAP1). Also called: FAMILIAL ADENOMATOUS POLYPOSIS 1, ATTENUATED; POLYPOSIS, ADENOMATOUS INTESTINAL. Identifiers: MedGen C2713442, MONDO:0021056, OMIM 175100. Disease mechanism: loss of function.

Submission:

Labcorp Genetics (formerly Invitae), Labcorp
Classification: Uncertain significance for Familial adenomatous polyposis 1. Last evaluated: 2023-07-08. Review status: criteria provided, single submitter. Criteria: Invitae Variant Classification Sherloc (09022015). Collection method: clinical testing. Allele origin: germline.
Comment: In summary, the available evidence is currently insufficient to determine the role of this variant in disease. Therefore, it has been classified as a Variant of Uncertain Significance. Advanced modeling of protein sequence and biophysical properties (such as structural, functional, and spatial information, amino acid conservation, physicochemical variation, residue mobility, and thermodynamic stability) performed at Invitae indicates that this missense variant is not expected to disrupt APC protein function. ClinVar contains an entry for this variant (Variation ID: 2104004). This variant has not been reported in the literature in individuals affected with APC-related conditions. This variant is not present in population databases (gnomAD no frequency). This sequence change replaces aspartic acid, which is acidic and polar, with glycine, which is neutral and non-polar, at codon 1860 of the APC protein (p.Asp1860Gly).